The following is an entry in ClinVar:

NM_004356.4(CD81):c.561+5G>A

Gene: CD81 (CD81 molecule; plus strand). Cytogenetic location: 11p15.5.
Variant type: single nucleotide variant.
Coding change: c.561+5G>A on transcript NM_004356.4 (MANE Select); 5 bases into the intron after coding-DNA position 561, G replaced by A.
Molecular consequence: intron variant.
Genome position (GRCh38, 1-based): chr11:2,395,975, G>A. VCF-style: chr11-2395975-G-A. GRCh37 (hg19) VCF-style: chr11-2417205-G-A.
Other names: c.348+5G>A (NM_001297649.2).
Identifiers: ClinVar variation 1972820 (VCV001972820.7), dbSNP rs376624998, ClinGen allele CA5820060.
Genomic context (GRCh38, chr11:2,395,975, plus strand): 5'-TGCTCAAGAACAATTTGTGTCCCTCGGGCAGCAACATCATCAGCAACCTCTTCAAGGTGC[G>A]CGAGGCCGGTGGGGCCGCGCCTGACCCCCCGCATGTCCCGCCCCTGGGTGGGGTCCTAGG-3'

ClinVar aggregate classification (germline): Uncertain significance. Review status: criteria provided, multiple submitters, no conflicts (2 of 4 stars). 2 submissions from 2 submitters: Uncertain significance (2). Last evaluated 2025-04-12.

gnomAD v4.1: 26 of 1,599,414 alleles (0.0016%); highest among the groups gnomAD compares: Admixed American, 0.012%; no homozygotes.

Submissions (3):

Labcorp Genetics (formerly Invitae), Labcorp
Classification: Uncertain significance. Last evaluated: 2025-04-12. Review status: criteria provided, single submitter. Criteria: Invitae Variant Classification Sherloc (09022015). Collection method: clinical testing. Allele origin: germline.
Comment: This sequence change falls in intron 6 of the CD81 gene. It does not directly change the encoded amino acid sequence of the CD81 protein. It affects a nucleotide within the consensus splice site. This variant is present in population databases (rs376624998, gnomAD 0.006%). This variant has not been reported in the literature in individuals affected with CD81-related conditions. ClinVar contains an entry for this variant (Variation ID: 1972820). Variants that disrupt the consensus splice site are a relatively common cause of aberrant splicing (PMID: 17576681, 9536098). Algorithms developed to predict the effect of sequence changes on RNA splicing suggest that this variant is not likely to affect RNA splicing. In summary, the available evidence is currently insufficient to determine the role of this variant in disease. Therefore, it has been classified as a Variant of Uncertain Significance.

Blueprint Genetics
Classification: Uncertain significance. Last evaluated: 2020-06-12. Review status: criteria provided, single submitter. Criteria: ACMG Guidelines, 2015. Collection method: clinical testing. Allele origin: germline.

Dr. Peter K. Rogan Lab, Western University
No classification provided (evidence only). Condition: Ovarian serous cystadenocarcinoma. Review status: no classification provided. Collection method: in vitro. Allele origin: not applicable. Functional consequence: retained intron. Not counted in ClinVar's aggregate classification.

Literature cited by the submitters: PubMed 17576681 (cited by Labcorp Genetics (formerly Invitae), Labcorp); PubMed 9536098 (cited by Labcorp Genetics (formerly Invitae), Labcorp).